The following is an entry in ClinVar:

ClinVar aggregate classification (germline): Uncertain significance. Review status: criteria provided, multiple submitters, no conflicts (2 of 4 stars). 3 submissions from 3 submitters: Uncertain significance (2). 1 of the submissions does not count toward it. Last evaluated 2021-10-22.

Conditions:
Alstrom syndrome (ALMS). Identifiers: Orphanet 64, MedGen C0268425, MONDO:0008763, OMIM 203800.
Cardiovascular phenotype. Identifiers: MedGen CN230736.

Allele frequency attached by ClinVar (database versions not stated): gnomAD exomes below 0.00001; gnomAD 0.00001; TOPMed 0.00001.
gnomAD v4.1: 7 of 1,613,908 alleles (0.00043%); highest among the groups gnomAD compares: Non-Finnish European, 0.00059%; no homozygotes.

Submissions (3):

Ambry Genetics
Classification: Uncertain significance for Cardiovascular phenotype. Last evaluated: 2021-10-22. Review status: criteria provided, single submitter. Criteria: Ambry Variant Classification Scheme 2023. Collection method: clinical testing. Allele origin: germline.
Comment: The p.S620P variant (also known as c.1858T>C), located in coding exon 8 of the ALMS1 gene, results from a T to C substitution at nucleotide position 1858. The serine at codon 620 is replaced by proline, an amino acid with similar properties. This amino acid position is not well conserved in available vertebrate species. In addition, this alteration is predicted to be tolerated by in silico analysis. Since supporting evidence is limited at this time, the clinical significance of this alteration remains unclear.

Labcorp Genetics (formerly Invitae), Labcorp
Classification: Uncertain significance for Alstrom syndrome. Last evaluated: 2021-09-01. Review status: criteria provided, single submitter. Criteria: Invitae Variant Classification Sherloc (09022015). Collection method: clinical testing. Allele origin: germline.

Natera, Inc.
Classification: Uncertain significance for Alstrom syndrome. Last evaluated: 2021-04-28. Review status: no assertion criteria provided. Collection method: clinical testing. Allele origin: germline. Not counted in ClinVar's aggregate classification.

NM_001378454.1(ALMS1):c.1855T>C (p.Ser619Pro)

Gene: ALMS1 (ALMS1 centrosome and basal body associated protein; plus strand). Cytogenetic location: 2p13.1.
Variant type: single nucleotide variant.
Coding change: c.1855T>C on transcript NM_001378454.1 (MANE Select); coding-DNA position 1855, T replaced by C.
Protein change: p.Ser619Pro; replaces serine 619 with proline.
Molecular consequence: missense variant.
Genome position (GRCh38, 1-based): chr2:73,448,382, T>C. VCF-style: chr2-73448382-T-C. GRCh37 (hg19) VCF-style: chr2-73675509-T-C.
Other names: c.1858T>C, p.Ser620Pro (NM_015120.4); short protein forms S620P, S619P.
Identifiers: ClinVar variation 662230 (VCV000662230.10), dbSNP rs921968387, ClinGen allele CA50391177.